The following is an entry in ClinVar:

ClinVar aggregate classification (germline): Likely pathogenic (1 of 4 stars; one submission).

Conditions:
Cornelia de Lange syndrome 3 (CDLS3). Also called: SMC3-Related Cornelia de Lange Syndrome; CORNELIA DE LANGE SYNDROME 3 WITH OR WITHOUT MIDLINE BRAIN DEFECTS. Identifiers: Orphanet 199, MedGen C1853099, MONDO:0012555, OMIM 610759.

Submission:

MVZ Medizinische Genetik Mainz
Classification: Likely pathogenic for Cornelia de Lange syndrome 3. Last evaluated: 2022-06-27. Review status: criteria provided, single submitter. Criteria: UK Practice Guidelines For Variant Classification V4 01 2020. Collection method: clinical testing. Allele origin: germline. Inheritance: Autosomal dominant inheritance. Affected: yes. Observed: 1 variant allele.
Comment: PS2, PM2_SUP, PP2, PP3

NM_005445.4(SMC3):c.463A>G (p.Arg155Gly)

Gene: SMC3 (structural maintenance of chromosomes 3; plus strand). Cytogenetic location: 10q25.2.
Variant type: single nucleotide variant.
Coding change: c.463A>G on transcript NM_005445.4 (MANE Select); coding-DNA position 463, A replaced by G.
Protein change: p.Arg155Gly; replaces arginine 155 with glycine.
Molecular consequence: missense variant.
Genome position (GRCh38, 1-based): chr10:110,580,937, A>G. VCF-style: chr10-110580937-A-G. GRCh37 (hg19) VCF-style: chr10-112340695-A-G.
Other names: short protein forms R155G.
Identifiers: ClinVar variation 3061883 (VCV003061883.1), dbSNP rs2493111036, ClinGen allele CA378375268.